The following is an entry in ClinVar:

NM_000834.5(GRIN2B):c.2461G>T (p.Val821Phe)

Gene: GRIN2B (glutamate ionotropic receptor NMDA type subunit 2B; minus strand). Cytogenetic location: 12p13.1.
Variant type: single nucleotide variant.
Coding change: c.2461G>T on transcript NM_000834.5 (MANE Select); coding-DNA position 2461, G replaced by T.
Protein change: p.Val821Phe; replaces valine 821 with phenylalanine.
Molecular consequence: missense variant.
Genome position (GRCh38, 1-based): chr12:13,567,162, C>A on the plus strand (G>T on the coding strand, the complement: GRIN2B is on the minus strand). VCF-style: chr12-13567162-C-A. GRCh37 (hg19) VCF-style: chr12-13720096-C-A.
Other names: short protein forms V821F.
Identifiers: ClinVar variation 984853 (VCV000984853.4), dbSNP rs1948651947, ClinGen allele CA383996383.

ClinVar aggregate classification (germline): Pathogenic (1 of 4 stars; one submission).

Conditions:
Complex neurodevelopmental disorder. Identifiers: Orphanet 528084, MedGen C5568766, MONDO:0100038.

Submission:

GeneDx
Classification: Pathogenic. Last evaluated: 2020-07-01. Review status: criteria provided, single submitter. Criteria: GeneDx Variant Classification Process June 2021. Collection method: clinical testing. Allele origin: germline. Affected: yes.
Comment: Not observed in large population cohorts (Lek et al., 2016); In silico analysis supports that this missense variant has a deleterious effect on protein structure/function; Has not been previously published as pathogenic or benign to our knowledge; This variant is associated with the following publications: (PMID: 33278787)